The following is an entry in ClinVar:

NM_000132.4(F8):c.5293C>A (p.Pro1765Thr)

Gene: F8 (coagulation factor VIII; minus strand). Cytogenetic location: Xq28.
Variant type: single nucleotide variant.
Coding change: c.5293C>A on transcript NM_000132.4 (MANE Select); coding-DNA position 5293, C replaced by A.
Protein change: p.Pro1765Thr; replaces proline 1765 with threonine.
Molecular consequence: missense variant.
Genome position (GRCh38, 1-based): chrX:154,906,500, G>T on the plus strand (C>A on the coding strand, the complement: F8 is on the minus strand). VCF-style: chrX-154906500-G-T. GRCh37 (hg19) VCF-style: chrX-154134775-G-T.
Other names: short protein forms P1765T.
Identifiers: ClinVar variation 3768965 (VCV003768965.1).

ClinVar aggregate classification (germline): Uncertain significance (1 of 4 stars; one submission).

gnomAD v4.1: 84 of 1,207,566 alleles (0.007%); highest among the groups gnomAD compares: African/African-American, 0.13%; no homozygotes.

Submission:

Women's Health and Genetics/Laboratory Corporation of America, LabCorp
Classification: Uncertain significance. Last evaluated: 2025-02-19. Review status: criteria provided, single submitter. Criteria: LabCorp Variant Classification Summary - May 2015. Collection method: clinical testing. Allele origin: germline.
Comment: Variant summary: F8 c.5293C>A (p.Pro1765Thr) results in a non-conservative amino acid change located in the Cupredoxins domain (IPR008972) of the encoded protein sequence. Five of five in-silico tools predict a damaging effect of the variant on protein function. The variant allele was found at a frequency of 8.7e-05 in 183279 control chromosomes, including 1 hemizygote. This frequency is not significantly higher than estimated for a pathogenic variant in F8 causing Factor VIII Deficiency (Hemophilia A) (8.7e-05 vs 0.0098), allowing no conclusion about variant significance. To our knowledge, no experimental evidence demonstrating an impact on protein function has been reported. The following publication has been ascertained in the context of this evaluation (PMID: 35770352). No submitters have cited clinical-significance assessments for this variant to ClinVar. Based on the evidence outlined above, the variant was classified as uncertain significance.

Literature cited by the submitters: PubMed 35770352; PubMed 26383047.